The following is an entry in ClinVar:

NM_001130823.3(DNMT1):c.4061C>T (p.Ala1354Val)

Gene: DNMT1 (DNA methyltransferase 1; minus strand). Cytogenetic location: 19p13.2.
Variant type: single nucleotide variant.
Coding change: c.4061C>T on transcript NM_001130823.3 (MANE Select); coding-DNA position 4061, C replaced by T.
Protein change: p.Ala1354Val; replaces alanine 1354 with valine.
Molecular consequence: missense variant.
Genome position (GRCh38, 1-based): chr19:10,138,493, G>A on the plus strand (C>T on the coding strand, the complement: DNMT1 is on the minus strand). VCF-style: chr19-10138493-G-A. GRCh37 (hg19) VCF-style: chr19-10249169-G-A.
Other names: c.4013C>T, p.Ala1338Val (NM_001318730.2, NM_001379.4); c.3698C>T, p.Ala1233Val (NM_001318731.2); short protein forms A1233V, A1338V, A1354V.
Identifiers: ClinVar variation 1057276 (VCV001057276.12), dbSNP rs141791913, ClinGen allele CA9187604.

ClinVar aggregate classification (germline): Conflicting classifications of pathogenicity. Review status: criteria provided, conflicting classifications (1 of 4 stars). 2 submissions from 2 submitters: Uncertain significance (1); Likely benign (1). Last evaluated 2022-09-01.

Conditions:
Hereditary sensory neuropathy-deafness-dementia syndrome. Also called: NEUROPATHY, HEREDITARY SENSORY, WITH HEARING LOSS AND DEMENTIA; HSN IE; Hereditary sensory neuropathy type IE; Hereditary Sensory and Autonomic Neuropathy Type 1E (HSAN1E). Identifiers: Orphanet 456318, MedGen C3279885, MONDO:0013584, OMIM 614116.
Inborn genetic diseases. Identifiers: MedGen C0950123, MeSH D030342.

Allele frequency attached by ClinVar (database versions not stated): gnomAD exomes below 0.00001 and 0.00001; ExAC 0.00001; gnomAD 0.00001; TOPMed 0.00002; ESP Exome Variant Server 0.00008.
gnomAD v4.1: 2 of 1,613,666 alleles (0.00012%); highest among the groups gnomAD compares: African/African-American, 0.0027%; no homozygotes.

Submissions (2):

Labcorp Genetics (formerly Invitae), Labcorp
Classification: Likely benign for Hereditary sensory neuropathy-deafness-dementia syndrome. Last evaluated: 2022-09-01. Review status: criteria provided, single submitter. Criteria: Invitae Variant Classification Sherloc (09022015). Collection method: clinical testing. Allele origin: germline.

Ambry Genetics
Classification: Uncertain significance for Inborn genetic diseases. Last evaluated: 2020-02-25. Review status: criteria provided, single submitter. Criteria: Ambry Variant Classification Scheme 2023. Collection method: clinical testing. Allele origin: germline.
Comment: The p.A1338V variant (also known as c.4013C>T), located in coding exon 34 of the DNMT1 gene, results from a C to T substitution at nucleotide position 4013. The alanine at codon 1338 is replaced by valine, an amino acid with similar properties. This amino acid position is highly conserved in available vertebrate species. In addition, this alteration is predicted to be tolerated by in silico analysis. Since supporting evidence is limited at this time, the clinical significance of this alteration remains unclear.